The following is an entry in ClinVar:

NM_001267550.2(TTN):c.55719del (p.Arg18574fs)

Genes: TTN-AS1 (TTN antisense RNA 1; plus strand), TTN (titin; minus strand). Cytogenetic location: 2q31.2.
Variant type: Deletion.
Coding change: c.55719del on transcript NM_001267550.2 (MANE Select); coding-DNA position 55719, one base deleted (C; older notation c.55719delC).
Protein change: p.Arg18574fs; shifts the reading frame from arginine 18574.
Molecular consequence: frameshift variant.
Genome position (GRCh38, 1-based): chr2:178,601,278, G deleted on the plus strand (C on the coding strand, the reverse complement: TTN is on the minus strand); the first of 2 consecutive G bases (chr2:178,601,278-178,601,279); deleting either gives the same sequence. VCF-style (leftmost placement, unchanged base first): chr2-178601277-TG-T. GRCh37 (hg19) VCF-style: chr2-179466004-TG-T.
Other names: c.50796del, p.Arg16933fs (NM_001256850.1); c.28524del, p.Arg9509fs (NM_003319.4); c.48015del, p.Arg16006fs (NM_133378.4); c.28899del, p.Arg9634fs (NM_133432.3); c.29100del, p.Arg9701fs (NM_133437.4); short protein forms R16006fs, R9634fs, R16933fs, R9701fs, R18574fs, R9509fs.
Identifiers: ClinVar variation 1513790 (VCV001513790.8), dbSNP rs2154192801, ClinGen allele CA2573133819.

ClinVar aggregate classification (germline): Likely pathogenic (1 of 4 stars; one submission).

Conditions:
Dilated cardiomyopathy 1G (CMD1G). Identifiers: Orphanet 154, MedGen C1858763, MONDO:0011400, OMIM 604145.
Autosomal recessive limb-girdle muscular dystrophy type 2J (LGMDR10). Also called: Limb-girdle muscular dystrophy, type 2J; MUSCULAR DYSTROPHY, LIMB-GIRDLE, AUTOSOMAL RECESSIVE 10. Identifiers: Orphanet 140922, MedGen C1837342, MONDO:0012127, OMIM 608807.

Submission:

Labcorp Genetics (formerly Invitae), Labcorp
Classification: Likely pathogenic for Dilated cardiomyopathy 1G; Autosomal recessive limb-girdle muscular dystrophy type 2J. Last evaluated: 2020-11-11. Review status: criteria provided, single submitter. Criteria: Invitae Variant Classification Sherloc (09022015). Collection method: clinical testing. Allele origin: germline.
Comment: In summary, the currently available evidence indicates that the variant is pathogenic, but additional data are needed to prove that conclusively. Therefore, this variant has been classified as Likely Pathogenic. This variant is located in the A band of TTN (PMID: 25589632). Truncating variants in this region are significantly overrepresented in patients affected with dilated cardiomyopathy (PMID: 25589632). Truncating variants in this region have also been reported in individuals affected with autosomal recessive centronuclear myopathy (PMID: 23975875). This variant has not been reported in the literature in individuals with TTN-related conditions. This variant is not present in population databases (ExAC no frequency). This sequence change creates a premature translational stop signal (p.Arg18574Glufs*76) in the TTN gene. While this is not anticipated to result in nonsense mediated decay, it is expected to create a truncated TTN protein.

Literature cited by the submitters: PubMed 25589632; PubMed 23975875.